The following is an entry in ClinVar:

NM_001376.5(DYNC1H1):c.17G>C (p.Gly6Ala)

Gene: DYNC1H1 (dynein cytoplasmic 1 heavy chain 1; plus strand). Cytogenetic location: 14q32.31.
Variant type: single nucleotide variant.
Coding change: c.17G>C on transcript NM_001376.5 (MANE Select); coding-DNA position 17, G replaced by C.
Protein change: p.Gly6Ala; replaces glycine 6 with alanine.
Molecular consequence: missense variant.
Genome position (GRCh38, 1-based): chr14:101,964,708, G>C. VCF-style: chr14-101964708-G-C. GRCh37 (hg19) VCF-style: chr14-102431045-G-C.
Other names: short protein forms G6A.
Identifiers: ClinVar variation 1008257 (VCV001008257.9), dbSNP rs2047642596, ClinGen allele CA391002918.

ClinVar aggregate classification (germline): Uncertain significance (1 of 4 stars; one submission).

Conditions:
Charcot-Marie-Tooth disease axonal type 2O. Also called: CHARCOT-MARIE-TOOTH NEUROPATHY, AXONAL, TYPE 2O; CHARCOT-MARIE-TOOTH DISEASE, AXONAL, AUTOSOMAL DOMINANT, TYPE 2O; Charcot-Marie-Tooth Neuropathy Type 2O; Charcot-Marie-Tooth disease, axonal, type 20. Identifiers: Orphanet 284232, MedGen C3280220, MONDO:0013644, OMIM 614228.

gnomAD v4.1: 1 of 1,595,206 alleles (0.000063%); highest among the groups gnomAD compares: East Asian, 0.0022%; no homozygotes.

Submission:

Labcorp Genetics (formerly Invitae), Labcorp
Classification: Uncertain significance for Charcot-Marie-Tooth disease axonal type 2O. Last evaluated: 2020-03-09. Review status: criteria provided, single submitter. Criteria: Invitae Variant Classification Sherloc (09022015). Collection method: clinical testing. Allele origin: germline.
Comment: This sequence change replaces glycine with alanine at codon 6 of the DYNC1H1 protein (p.Gly6Ala). The glycine residue is weakly conserved and there is a small physicochemical difference between glycine and alanine. This variant is not present in population databases (ExAC no frequency). This variant has not been reported in the literature in individuals with DYNC1H1-related conditions. Algorithms developed to predict the effect of missense changes on protein structure and function are either unavailable or do not agree on the potential impact of this missense change (SIFT: "Tolerated"; PolyPhen-2: "Not available"; Align-GVGD: "Class C0"). In summary, the available evidence is currently insufficient to determine the role of this variant in disease. Therefore, it has been classified as a Variant of Uncertain Significance.